The following is an entry in ClinVar:

NM_152309.3(PIK3AP1):c.1712T>C (p.Val571Ala)

Gene: PIK3AP1 (phosphoinositide-3-kinase adaptor protein 1; minus strand). Cytogenetic location: 10q24.1.
Variant type: single nucleotide variant.
Coding change: c.1712T>C on transcript NM_152309.3 (MANE Select); coding-DNA position 1712, T replaced by C.
Protein change: p.Val571Ala; replaces valine 571 with alanine.
Molecular consequence: missense variant.
Genome position (GRCh38, 1-based): chr10:96,623,495, A>G on the plus strand (T>C on the coding strand, the complement: PIK3AP1 is on the minus strand). VCF-style: chr10-96623495-A-G. GRCh37 (hg19) VCF-style: chr10-98383252-A-G.
Other names: c.1712T>C (NM_152309.2); short protein forms V571A.
Identifiers: ClinVar variation 1420623 (VCV001420623.10), dbSNP rs1251757430, ClinGen allele CA377755590.

ClinVar aggregate classification (germline): Uncertain significance. Review status: criteria provided, multiple submitters, no conflicts (2 of 4 stars). 2 submissions from 2 submitters: Uncertain significance (2). Last evaluated 2025-08-30.

Conditions:
Infantile spasms. Also called: Infantile spasm. Identifiers: MedGen C3887898, HP:0012469.

Allele frequency attached by ClinVar (database versions not stated): gnomAD 0.00001; gnomAD exomes 0.00001 and 0.00002; TOPMed 0.00003.
gnomAD v4.1: 23 of 1,612,214 alleles (0.0014%); highest among the groups gnomAD compares: African/African-American, 0.0027%; no homozygotes.

Submissions (2):

Ambry Genetics
Classification: Uncertain significance. Last evaluated: 2025-08-30. Review status: criteria provided, single submitter. Criteria: Ambry Variant Classification Scheme 2023. Collection method: clinical testing. Allele origin: germline.

Labcorp Genetics (formerly Invitae), Labcorp
Classification: Uncertain significance for Infantile spasms. Last evaluated: 2024-06-18. Review status: criteria provided, single submitter. Criteria: Invitae Variant Classification Sherloc (09022015). Collection method: clinical testing. Allele origin: germline.
Comment: This sequence change replaces valine, which is neutral and non-polar, with alanine, which is neutral and non-polar, at codon 571 of the PIK3AP1 protein (p.Val571Ala). This variant is present in population databases (no rsID available, gnomAD 0.008%). This variant has not been reported in the literature in individuals affected with PIK3AP1-related conditions. ClinVar contains an entry for this variant (Variation ID: 1420623). An algorithm developed to predict the effect of missense changes on protein structure and function (PolyPhen-2) suggests that this variant is likely to be tolerated. In summary, the available evidence is currently insufficient to determine the role of this variant in disease. Therefore, it has been classified as a Variant of Uncertain Significance.